The following is an entry in ClinVar:

NM_030930.4(UNC93B1):c.702C>A (p.Cys234Ter)

Gene: UNC93B1 (unc-93B1 regulator of TLR signaling; minus strand). Cytogenetic location: 11q13.2.
Variant type: single nucleotide variant.
Coding change: c.702C>A on transcript NM_030930.4 (MANE Select); coding-DNA position 702, C replaced by A.
Protein change: p.Cys234Ter; replaces cysteine 234 with a stop codon.
Molecular consequence: nonsense.
Genome position (GRCh38, 1-based): chr11:67,998,438, G>T on the plus strand (C>A on the coding strand, the complement: UNC93B1 is on the minus strand). VCF-style: chr11-67998438-G-T. GRCh37 (hg19) VCF-style: chr11-67765908-G-T.
Other names: short protein forms C234*.
Identifiers: ClinVar variation 1440823 (VCV001440823.6), dbSNP rs772974041, ClinGen allele CA381574988.

ClinVar aggregate classification (germline): Pathogenic (1 of 4 stars; one submission).

Conditions:
Encephalopathy, acute, infection-induced (herpes-specific), susceptibility to, 1. Also called: Herpes simplex encephalitis, susceptibility to, 1. Identifiers: Orphanet 1930, MedGen C2750180, MONDO:0024563, OMIM 610551.

Submission:

Labcorp Genetics (formerly Invitae), Labcorp
Classification: Pathogenic for Encephalopathy, acute, infection-induced (herpes-specific), susceptibility to, 1. Last evaluated: 2022-07-19. Review status: criteria provided, single submitter. Criteria: Invitae Variant Classification Sherloc (09022015). Collection method: clinical testing. Allele origin: germline.
Comment: ClinVar contains an entry for this variant (Variation ID: 1440823). This variant has not been reported in the literature in individuals affected with UNC93B1-related conditions. This sequence change creates a premature translational stop signal (p.Cys234*) in the UNC93B1 gene. It is expected to result in an absent or disrupted protein product. Loss-of-function variants in UNC93B1 are known to be pathogenic (PMID: 16973841). This variant is not present in population databases (gnomAD no frequency). For these reasons, this variant has been classified as Pathogenic.

Literature cited by the submitters: PubMed 16973841.